The following is an entry in ClinVar:

ClinVar aggregate classification (germline): Uncertain significance (1 of 4 stars; one submission).

Submission:

Dasa
Classification: Uncertain significance. Last evaluated: 2025-12-09. Review status: criteria provided, single submitter. Criteria: DASA Assertion Criteria. Collection method: clinical testing. Allele origin: germline.
Comment: NM_005909.5(MAP1B):c.1645G>T (p.Ala549Ser) is a missense variant that results in the substitution of alanine with serine. This variant is rare in population databases. Computational prediction algorithms are consistent with a benign effect. The currently available literature and clinical evidence are not sufficient to establish a definitive association between this variant and the reported condition. Therefore, this variant is classified as a variant of uncertain significance.

NM_005909.5(MAP1B):c.1645G>T (p.Ala549Ser)

Gene: MAP1B (microtubule associated protein 1B; plus strand). Cytogenetic location: 5q13.2.
Variant type: single nucleotide variant.
Coding change: c.1645G>T on transcript NM_005909.5 (MANE Select); coding-DNA position 1645, G replaced by T.
Protein change: p.Ala549Ser; replaces alanine 549 with serine.
Molecular consequence: missense variant.
Genome position (GRCh38, 1-based): chr5:72,195,000, G>T. VCF-style: chr5-72195000-G-T. GRCh37 (hg19) VCF-style: chr5-71490827-G-T.
Other names: c.1267G>T, p.Ala423Ser (NM_001324255.2); short protein forms A423S, A549S.
Identifiers: ClinVar variation 4881059 (VCV004881059.2).
Genomic context (GRCh38, chr5:72,195,000, plus strand): 5'-GTGGTGAAACAAACAAAACTGAAACAGAGGGCTGATAGCCGAGAAAGTCTGAAGCCAGCC[G>T]CAAAACCACTTCCTAGCAAATCCGTGCGCAAGGAGTCAAAAGAAGAAACCCCTGAGGTCA-3'
Protein context (NP_005900.2, residues 539-559): ADSRESLKPA[Ala549Ser]KPLPSKSVRK